The following is an entry in ClinVar:

ClinVar aggregate classification (germline): Benign (0 of 4 stars; one submission).

Conditions:
OGDHL-related disorder. Also called: OGDHL-related condition.

Allele frequency attached by ClinVar (database versions not stated): gnomAD exomes 0.18682; ExAC 0.19826; 1000 Genomes Project 0.20867; 1000 Genomes Project 30x 0.21081; ESP Exome Variant Server 0.21375; gnomAD 0.21432; TOPMed 0.22186.
gnomAD v4.1: 305,936 of 1,613,730 alleles (19%); highest among the groups gnomAD compares: African/African-American, 28%; 30,410 homozygotes.

Submission:

PreventionGenetics, part of Exact Sciences
Classification: Benign for OGDHL-related condition. Last evaluated: 2021-11-11. Review status: no assertion criteria provided. Collection method: clinical testing. Allele origin: germline.
Comment: This variant is classified as benign based on ACMG/AMP sequence variant interpretation guidelines (Richards et al. 2015 PMID: 25741868, with internal and published modifications).

NM_018245.3(OGDHL):c.1910C>T (p.Thr637Met)

Gene: OGDHL (oxoglutarate dehydrogenase L; minus strand). Cytogenetic location: 10q11.23.
Variant type: single nucleotide variant.
Coding change: c.1910C>T on transcript NM_018245.3 (MANE Select); coding-DNA position 1910, C replaced by T.
Protein change: p.Thr637Met; replaces threonine 637 with methionine.
Molecular consequence: missense variant. On other transcripts: non-coding transcript variant (5).
Genome position (GRCh38, 1-based): chr10:49,742,930, G>A on the plus strand (C>T on the coding strand, the complement: OGDHL is on the minus strand). VCF-style: chr10-49742930-G-A. GRCh37 (hg19) VCF-style: chr10-50950976-G-A.
Other names: c.1739C>T, p.Thr580Met (NM_001143996.2, NM_001347820.1); c.1283C>T, p.Thr428Met (NM_001143997.2, NM_001347821.2, NM_001347822.1); c.1910C>T, p.Thr637Met (NM_001347819.1); c.1730C>T, p.Thr577Met (NM_001347823.1, NM_001347824.2); c.1103C>T, p.Thr368Met (NM_001347825.2); c.713C>T, p.Thr238Met (NM_001347826.1); short protein forms T238M, T368M, T428M, T577M, T580M, T637M.
Identifiers: ClinVar variation 3060595 (VCV003060595.2), dbSNP rs11101224, ClinGen allele CA5498370.